The following is an entry in ClinVar:

ClinVar aggregate classification (germline): Uncertain significance (1 of 4 stars; one submission).

Allele frequency attached by ClinVar (database versions not stated): gnomAD 0.00001; 1000 Genomes Project 30x 0.00016.
gnomAD v4.1: 1 of 1,229,080 alleles (0.000081%); highest among the groups gnomAD compares: East Asian, 0.0032%; no homozygotes.

Submission:

Labcorp Genetics (formerly Invitae), Labcorp
Classification: Uncertain significance. Last evaluated: 2023-09-11. Review status: criteria provided, single submitter. Criteria: Invitae Variant Classification Sherloc (09022015). Collection method: clinical testing. Allele origin: germline.
Comment: This sequence change replaces alanine, which is neutral and non-polar, with valine, which is neutral and non-polar, at codon 8 of the SIRT1 protein (p.Ala8Val). In summary, the available evidence is currently insufficient to determine the role of this variant in disease. Therefore, it has been classified as a Variant of Uncertain Significance. Algorithms developed to predict the effect of missense changes on protein structure and function output the following: SIFT: "Not Available"; PolyPhen-2: "Possibly Damaging"; Align-GVGD: "Not Available". The valine amino acid residue is found in multiple mammalian species, which suggests that this missense change does not adversely affect protein function. This variant has not been reported in the literature in individuals affected with SIRT1-related conditions. This variant is not present in population databases (gnomAD no frequency).

NM_012238.5(SIRT1):c.23C>T (p.Ala8Val)

Genes: SIRT1 (sirtuin 1; plus strand), LOC107832851 (SIRT1 promoter region; plus strand). Cytogenetic location: 10q21.3.
Variant type: single nucleotide variant.
Coding change: c.23C>T on transcript NM_012238.5 (MANE Select); coding-DNA position 23, C replaced by T.
Protein change: p.Ala8Val; replaces alanine 8 with valine.
Molecular consequence: missense variant.
Genome position (GRCh38, 1-based): chr10:67,884,744, C>T. VCF-style: chr10-67884744-C-T. GRCh37 (hg19) VCF-style: chr10-69644502-C-T.
Other names: short protein forms A8V.
Identifiers: ClinVar variation 2980946 (VCV002980946.3), dbSNP rs2131841433, ClinGen allele CA377035077.